The following is an entry in ClinVar:

ClinVar aggregate classification (germline): Likely pathogenic (1 of 4 stars; one submission).

Conditions:
Autosomal recessive nonsyndromic hearing loss 9. Also called: OTOF-Related Hearing Loss; AUDITORY NEUROPATHY, AUTOSOMAL RECESSIVE, 1, TEMPERATURE-SENSITIVE; NEUROSENSORY NONSYNDROMIC RECESSIVE DEAFNESS 9; Deafness, autosomal recessive 9. Identifiers: Orphanet 90636, MedGen C1832828, MONDO:0010986, OMIM 601071.

Allele frequency attached by ClinVar (database versions not stated): gnomAD exomes below 0.00001; ExAC 0.00001.
gnomAD v4.1: 2 of 1,614,176 alleles (0.00012%); highest among the groups gnomAD compares: Non-Finnish European, 0.000085%; no homozygotes.

Submission:

Molecular Genetics Laboratory; Baylor College of Medicine
Classification: Likely pathogenic. Review status: criteria provided, single submitter. Criteria: Submitter's publication. Collection method: not provided. Allele origin: unknown.
ClinVar note: Converted during submission from probable-pathogenic to Likely pathogenic.

NM_194248.3(OTOF):c.897+1G>T

Gene: OTOF (otoferlin; minus strand). Cytogenetic location: 2p23.3.
Variant type: single nucleotide variant.
Coding change: c.897+1G>T on transcript NM_194248.3 (MANE Select); the canonical splice donor site of the intron after coding-DNA position 897, G replaced by T.
Molecular consequence: splice donor variant.
Genome position (GRCh38, 1-based): chr2:26,494,941, C>A on the plus strand (G>T on the coding strand, the complement: OTOF is on the minus strand). VCF-style: chr2-26494941-C-A. GRCh37 (hg19) VCF-style: chr2-26717809-C-A.
Other names: c.897+1G>T (NM_001287489.2).
Identifiers: ClinVar variation 133310 (VCV000133310.2), dbSNP rs483353049, ClinGen allele CA269914.
Genomic context (GRCh38, chr2:26,494,941, plus strand): 5'-AGGGCTGGGGCCACCCTCCTGCCATATTTACAGAGGCTCCTTTCCCCACAGGGCCACTGA[C>A]CTCGTTGTAATAGGGGCAGTTAGTGGACTCCTTCATGGATGTGTACTTCTTGTCGTCACC-3'